The following is an entry in ClinVar:

ClinVar aggregate classification (germline): Uncertain significance. Review status: criteria provided, multiple submitters, no conflicts (2 of 4 stars). 2 submissions from 2 submitters: Uncertain significance (2). Last evaluated 2026-06-10.

Allele frequency attached by ClinVar (database versions not stated): gnomAD exomes 0.00002.
gnomAD v4.1: 13 of 1,582,408 alleles (0.00082%); highest among the groups gnomAD compares: East Asian, 0.029%; no homozygotes.

Submissions (2):

Ambry Genetics
Classification: Uncertain significance. Last evaluated: 2026-06-10. Review status: criteria provided, single submitter. Criteria: Ambry Variant Classification Scheme 2023. Collection method: clinical testing. Allele origin: germline.
Comment: The p.I60V variant (also known as c.178A>G), located in coding exon 2 of the GEN1 gene, results from an A to G substitution at nucleotide position 178. The isoleucine at codon 60 is replaced by valine, an amino acid with highly similar properties. This amino acid position is conserved. In addition, this alteration is predicted to be tolerated by in silico analysis. Based on the available evidence, the clinical significance of this variant remains unclear.

Labcorp Genetics (formerly Invitae), Labcorp
Classification: Uncertain significance. Last evaluated: 2022-05-25. Review status: criteria provided, single submitter. Criteria: Invitae Variant Classification Sherloc (09022015). Collection method: clinical testing. Allele origin: germline.
Comment: Algorithms developed to predict the effect of missense changes on protein structure and function output the following: SIFT: "Tolerated"; PolyPhen-2: "Benign"; Align-GVGD: "Class C0". The valine amino acid residue is found in multiple mammalian species, which suggests that this missense change does not adversely affect protein function. This variant has not been reported in the literature in individuals affected with GEN1-related conditions. This variant is not present in population databases (gnomAD no frequency). This sequence change replaces isoleucine, which is neutral and non-polar, with valine, which is neutral and non-polar, at codon 60 of the GEN1 protein (p.Ile60Val). In summary, the available evidence is currently insufficient to determine the role of this variant in disease. Therefore, it has been classified as a Variant of Uncertain Significance.

NM_001130009.3(GEN1):c.178A>G (p.Ile60Val)

Gene: GEN1 (GEN1 structure-specific endonuclease; plus strand). Cytogenetic location: 2p24.2.
Variant type: single nucleotide variant.
Coding change: c.178A>G on transcript NM_001130009.3 (MANE Select); coding-DNA position 178, A replaced by G.
Protein change: p.Ile60Val; replaces isoleucine 60 with valine.
Molecular consequence: missense variant.
Genome position (GRCh38, 1-based): chr2:17,761,412, A>G. VCF-style: chr2-17761412-A-G. GRCh37 (hg19) VCF-style: chr2-17942679-A-G.
Other names: c.178A>G (NM_001130009.1); c.178A>G, p.Ile60Val (NM_182625.5); short protein forms I60V.
Identifiers: ClinVar variation 1947644 (VCV001947644.6), dbSNP rs1264283872, ClinGen allele CA345906251.
Genomic context (GRCh38, chr2:17,761,412, plus strand): 5'-ATCAGTGTTTGATGATTAATGTATTACTAATTTATATATTTCAGGAACTTATTTTTTCGT[A>G]TCTCATATTTAACACAAATGGATGTAAAACTGGTATTTGTTATGGAAGGGGAACCACCAA-3'
Protein context (NP_001123481.3, residues 50-70): KPHLRNLFFR[Ile60Val]SYLTQMDVKL